The following is an entry in ClinVar:

NM_001220.5(CAMK2B):c.1202C>T (p.Thr401Ile)

Gene: CAMK2B (calcium/calmodulin dependent protein kinase II beta; minus strand). Cytogenetic location: 7p13.
Variant type: single nucleotide variant.
Coding change: c.1202C>T on transcript NM_001220.5 (MANE Select); coding-DNA position 1202, C replaced by T.
Protein change: p.Thr401Ile; replaces threonine 401 with isoleucine.
Molecular consequence: missense variant. On other transcripts: intron variant (1).
Genome position (GRCh38, 1-based): chr7:44,231,029, G>A on the plus strand (C>T on the coding strand, the complement: CAMK2B is on the minus strand). VCF-style: chr7-44231029-G-A. GRCh37 (hg19) VCF-style: chr7-44270628-G-A.
Other names: c.1202C>T, p.Thr401Ile (NM_001293170.2, NM_172078.3); c.1130C>T, p.Thr377Ile (NM_172079.3, NM_172082.3); c.1127C>T, p.Thr376Ile (NM_172080.3); c.1085C>T, p.Thr362Ile (NM_172081.3); c.1013C>T, p.Thr338Ile (NM_172083.3); c.946+9678C>T (NM_172084.3); short protein forms T338I, T362I, T376I, T377I, T401I.
Identifiers: ClinVar variation 3361574 (VCV003361574.1).

ClinVar aggregate classification (germline): Uncertain significance (1 of 4 stars; one submission).

Submission:

GeneDx
Classification: Uncertain significance. Last evaluated: 2023-08-03. Review status: criteria provided, single submitter. Criteria: GeneDx Variant Classification Process June 2021. Collection method: clinical testing. Allele origin: germline. Affected: yes.
Comment: Not observed at significant frequency in large population cohorts (gnomAD); In silico analysis supports that this missense variant has a deleterious effect on protein structure/function; Has not been previously published as pathogenic or benign to our knowledge